The following is an entry in ClinVar:

ClinVar aggregate classification (germline): Conflicting classifications of pathogenicity. Review status: criteria provided, conflicting classifications (1 of 4 stars). 4 submissions from 4 submitters: Uncertain significance (2); Likely benign (1). 1 of the submissions does not count toward it. Last evaluated 2024-10-22.

Conditions:
Inborn genetic diseases. Identifiers: MedGen C0950123, MeSH D030342.
Hermansky-Pudlak syndrome 9 (HPS9). Identifiers: Orphanet 280663, Orphanet 79430, MedGen C3280026, MONDO:0013606, OMIM 614171.

Allele frequency attached by ClinVar (database versions not stated): ExAC 0.00002; gnomAD exomes 0.00002; TOPMed 0.00008; gnomAD 0.00009.
gnomAD v4.1: 76 of 1,598,094 alleles (0.0048%); highest among the groups gnomAD compares: Non-Finnish European, 0.0063%; no homozygotes.

Submissions (4):

Labcorp Genetics (formerly Invitae), Labcorp
Classification: Uncertain significance for Hermansky-Pudlak syndrome 9. Last evaluated: 2024-10-22. Review status: criteria provided, single submitter. Criteria: Invitae Variant Classification Sherloc (09022015). Collection method: clinical testing. Allele origin: germline.
Comment: This sequence change replaces methionine, which is neutral and non-polar, with isoleucine, which is neutral and non-polar, at codon 98 of the BLOC1S6 protein (p.Met98Ile). This variant is present in population databases (rs574333116, gnomAD 0.008%). This variant has not been reported in the literature in individuals affected with BLOC1S6-related conditions. ClinVar contains an entry for this variant (Variation ID: 522345). An algorithm developed to predict the effect of missense changes on protein structure and function outputs the following: PolyPhen-2: "Benign". The isoleucine amino acid residue is found in multiple mammalian species, which suggests that this missense change does not adversely affect protein function. In summary, the available evidence is currently insufficient to determine the role of this variant in disease. Therefore, it has been classified as a Variant of Uncertain Significance.

Ambry Genetics
Classification: Uncertain significance for Inborn genetic diseases. Last evaluated: 2021-07-06. Review status: criteria provided, single submitter. Criteria: Ambry Variant Classification Scheme 2023. Collection method: clinical testing. Allele origin: germline.

Clinical Genetics DNA and cytogenetics Diagnostics Lab, Erasmus MC, Erasmus Medical Center
Classification: Likely benign for Hermansky-Pudlak syndrome 9. Last evaluated: 2017-06-28. Review status: criteria provided, single submitter. Criteria: ACGS Guidelines, 2013. Collection method: clinical testing. Allele origin: germline. Affected: yes. Study: VKGL Data-share Consensus.

Clinical Genetics, Academic Medical Center
Classification: Likely benign. Review status: no assertion criteria provided. Collection method: clinical testing. Allele origin: germline. Affected: yes. Study: VKGL Data-share Consensus. Not counted in ClinVar's aggregate classification.

NM_012388.4(BLOC1S6):c.294G>T (p.Met98Ile)

Gene: BLOC1S6 (biogenesis of lysosomal organelles complex 1 subunit 6; plus strand). Cytogenetic location: 15q21.1.
Variant type: single nucleotide variant.
Coding change: c.294G>T on transcript NM_012388.4 (MANE Select); coding-DNA position 294, G replaced by T.
Protein change: p.Met98Ile; replaces methionine 98 with isoleucine.
Molecular consequence: missense variant. On other transcripts: non-coding transcript variant (6), intron variant (1).
Genome position (GRCh38, 1-based): chr15:45,603,169, G>T. VCF-style: chr15-45603169-G-T. GRCh37 (hg19) VCF-style: chr15-45895367-G-T.
Other names: c.309G>T, p.Met103Ile (NM_001311255.1); c.240-2259G>T (NM_001311256.1); c.294G>T (NM_012388.2); short protein forms M98I, M103I.
Identifiers: ClinVar variation 522345 (VCV000522345.13), dbSNP rs574333116, ClinGen allele CA7544325.